The following is an entry in ClinVar:

NM_003923.3(FOXH1):c.*233G>A

Genes: FOXH1 (forkhead box H1; minus strand), KIFC2 (kinesin family member C2; plus strand). Cytogenetic location: 8q24.3.
Variant type: single nucleotide variant.
Coding change: c.*233G>A on transcript NM_003923.3 (MANE Select); 233 bases downstream of the stop codon, G replaced by A.
Molecular consequence: 3 prime UTR variant.
Genome position (GRCh38, 1-based): chr8:144,474,005, C>T on the plus strand (G>A on the coding strand, the complement: FOXH1 is on the minus strand). VCF-style: chr8-144474005-C-T. GRCh37 (hg19) VCF-style: chr8-145699388-C-T.
Other names: c.*616C>T (NM_001369769.2); c.*555C>T (NM_145754.5).
Identifiers: ClinVar variation 909983 (VCV000909983.4), dbSNP rs11781640, ClinGen allele CA187724278.
Genomic context (GRCh38, chr8:144,474,005, plus strand): 5'-GGGTAGTGGGCTGAGAAGAGGGGACTAGGAAGGGCTATTCCAGGCTCAGCCCTGCTCCTG[C>T]AGCTTTGCCGCTGAGTGTAGGAAAAACAGGCATGACAGACCAGGGTGAGGGTTGTGCCCA-3'

ClinVar aggregate classification (germline): Likely benign (1 of 4 stars; one submission).

Conditions:
Holoprosencephaly sequence (HPE). Also called: Holoprosencephaly. Identifiers: Orphanet 2162, MedGen C0079541, MONDO:0016296, HP:0001360.

Allele frequency attached by ClinVar (database versions not stated): 1000 Genomes Project 30x 0.00141; 1000 Genomes Project 0.00180; gnomAD 0.00411 and 0.00421; TOPMed 0.00412; gnomAD exomes 0.00571.

Submission:

Illumina Laboratory Services, Illumina
Classification: Likely benign for Holoprosencephaly sequence. Last evaluated: 2018-01-13. Review status: criteria provided, single submitter. Criteria: ICSL Variant Classification Criteria 13 December 2019. Collection method: clinical testing. Allele origin: germline.
Comment: This variant was observed in the ICSL laboratory as part of a predisposition screen in an ostensibly healthy population. It had not been previously curated by ICSL or reported in the Human Gene Mutation Database (HGMD: prior to June 1st, 2018), and was therefore a candidate for classification through an automated scoring system. Utilizing variant allele frequency, disease prevalence and penetrance estimates, and inheritance mode, an automated score was calculated to assess if this variant is too frequent to cause the disease. Based on the score and internal cut-off values, a variant classified as likely benign is not then subjected to further curation. The score for this variant resulted in a classification of likely benign for this disease.